The following is an entry in ClinVar:

ClinVar aggregate classification (germline): Uncertain significance. Review status: criteria provided, multiple submitters, no conflicts (2 of 4 stars). 2 submissions from 2 submitters: Uncertain significance (2). Last evaluated 2025-04-02.

Conditions:
Inborn genetic diseases. Identifiers: MedGen C0950123, MeSH D030342.

Allele frequency attached by ClinVar (database versions not stated): gnomAD exomes below 0.00001; TOPMed below 0.00001.

Submissions (2):

Ambry Genetics
Classification: Uncertain significance for Inborn genetic diseases. Last evaluated: 2025-04-02. Review status: criteria provided, single submitter. Criteria: Ambry Variant Classification Scheme 2023. Collection method: clinical testing. Allele origin: germline.

Labcorp Genetics (formerly Invitae), Labcorp
Classification: Uncertain significance. Last evaluated: 2023-02-06. Review status: criteria provided, single submitter. Criteria: Invitae Variant Classification Sherloc (09022015). Collection method: clinical testing. Allele origin: germline.
Comment: In summary, the available evidence is currently insufficient to determine the role of this variant in disease. Therefore, it has been classified as a Variant of Uncertain Significance. Advanced modeling of protein sequence and biophysical properties (such as structural, functional, and spatial information, amino acid conservation, physicochemical variation, residue mobility, and thermodynamic stability) has been performed at Invitae for this missense variant, however the output from this modeling did not meet the statistical confidence thresholds required to predict the impact of this variant on DOCK6 protein function. This variant has not been reported in the literature in individuals affected with DOCK6-related conditions. This variant is not present in population databases (gnomAD no frequency). This sequence change replaces proline, which is neutral and non-polar, with arginine, which is basic and polar, at codon 1924 of the DOCK6 protein (p.Pro1924Arg).

NM_020812.4(DOCK6):c.5771C>G (p.Pro1924Arg)

Gene: DOCK6 (dedicator of cytokinesis 6; minus strand). Cytogenetic location: 19p13.2.
Variant type: single nucleotide variant.
Coding change: c.5771C>G on transcript NM_020812.4 (MANE Select); coding-DNA position 5771, C replaced by G.
Protein change: p.Pro1924Arg; replaces proline 1924 with arginine.
Molecular consequence: missense variant.
Genome position (GRCh38, 1-based): chr19:11,200,970, G>C on the plus strand (C>G on the coding strand, the complement: DOCK6 is on the minus strand). VCF-style: chr19-11200970-G-C. GRCh37 (hg19) VCF-style: chr19-11311646-G-C.
Other names: c.5771C>G (NM_020812.2); c.5876C>G, p.Pro1959Arg (NM_001367830.1); short protein forms P1924R, P1959R.
Identifiers: ClinVar variation 3000270 (VCV003000270.4), dbSNP rs2079159519, ClinGen allele CA404071021.
Genomic context (GRCh38, chr19:11,200,970, plus strand): 5'-TGGTTCACGGTGGGCCCTACAGAGCCCTGAAGCACCATCTGTAGCATCTTAGCATCTGGT[G>C]GGTCCTGCTCGGTGGCAAAGGCCAGCTCCCGTGTCTTCTTCTGCATGTCCTCGATGGCCA-3'
Protein context (NP_065863.2, residues 1914-1934): RELAFATEQD[Pro1924Arg]PDAKMLQMVL